The following is an entry in ClinVar:

ClinVar aggregate classification (germline): Benign/Likely benign. Review status: criteria provided, multiple submitters, no conflicts (2 of 4 stars). 2 submissions from 2 submitters: Benign (1); Likely benign (1). Last evaluated 2024-12-18.

Conditions:
Hereditary cancer-predisposing syndrome. Also called: Neoplastic Syndromes, Hereditary; Tumor predisposition; Hereditary Cancer Syndrome; Hereditary neoplastic syndrome. Identifiers: Orphanet 140162, MedGen C0027672, MeSH D009386, MONDO:0015356.
Lynch syndrome 5 (LYNCH5). Also called: Colorectal cancer, hereditary nonpolyposis, type 5; Hereditary non-polyposis colorectal cancer, type 5. Identifiers: Orphanet 144, MedGen C1833477, MONDO:0013710, OMIM 614350. Disease mechanism: loss of function.

Submissions (2):

Myriad Genetics, Inc.
Classification: Benign for Lynch syndrome 5. Last evaluated: 2024-12-18. Review status: criteria provided, single submitter. Criteria: Myriad Autosomal Dominant, Autosomal Recessive and X-Linked Classification Criteria (2023). Collection method: clinical testing. Allele origin: unknown.
Comment: This variant is considered benign. This variant is a silent/synonymous amino acid change and it is not expected to impact splicing.

Ambry Genetics
Classification: Likely benign for Hereditary cancer-predisposing syndrome. Last evaluated: 2018-08-20. Review status: criteria provided, single submitter. Criteria: Ambry Variant Classification Scheme 2023. Collection method: clinical testing. Allele origin: germline.

NM_000179.3(MSH6):c.396G>A (p.Gln132=)

Gene: MSH6 (mutS homolog 6; plus strand). Cytogenetic location: 2p16.3.
Variant type: single nucleotide variant.
Coding change: c.396G>A on transcript NM_000179.3 (MANE Select); coding-DNA position 396, G replaced by A.
Protein change: p.Gln132=; no amino-acid change (glutamine 132 retained).
Molecular consequence: synonymous variant. On other transcripts: 5 prime UTR variant (7), non-coding transcript variant (5), intron variant (6).
Genome position (GRCh38, 1-based): chr2:47,791,062, G>A. VCF-style: chr2-47791062-G-A. GRCh37 (hg19) VCF-style: chr2-48018201-G-A.
Other names: c.-341G>A (NM_001281493.2, NM_001406811.1, NM_001406823.1 and 1 more transcripts); c.-507G>A (NM_001281494.2); c.492G>A, p.Gln164= (NM_001406795.1, NM_001406802.1); c.396G>A, p.Gln132= (NM_001406796.1, NM_001406798.1, NM_001406800.1 and 6 more transcripts); c.99G>A, p.Gln33= (NM_001406797.1, NM_001406801.1, NM_001406805.1 and 10 more transcripts); c.318G>A, p.Gln106= (NM_001406804.1); c.-533G>A (NM_001406807.1); c.-599G>A (NM_001406814.1); and 5 more.
Identifiers: ClinVar variation 1736602 (VCV001736602.3), dbSNP rs864622216, ClinGen allele CA425989412.